The following is an entry in ClinVar:

ClinVar aggregate classification (germline): Uncertain significance (1 of 4 stars; one submission).

Submission:

GeneDx
Classification: Uncertain significance. Last evaluated: 2022-01-13. Review status: criteria provided, single submitter. Criteria: GeneDx Variant Classification Process June 2021. Collection method: clinical testing. Allele origin: germline. Affected: yes.
Comment: Not observed at significant frequency in large population cohorts (gnomAD); In silico analysis supports that this missense variant has a deleterious effect on protein structure/function; Has not been previously published as pathogenic or benign to our knowledge

NM_013436.5(NCKAP1):c.629T>C (p.Leu210Pro)

Gene: NCKAP1 (NCK associated protein 1; minus strand). Cytogenetic location: 2q32.1.
Variant type: single nucleotide variant.
Coding change: c.629T>C on transcript NM_013436.5 (MANE Select); coding-DNA position 629, T replaced by C.
Protein change: p.Leu210Pro; replaces leucine 210 with proline.
Molecular consequence: missense variant.
Genome position (GRCh38, 1-based): chr2:182,995,813, A>G on the plus strand (T>C on the coding strand, the complement: NCKAP1 is on the minus strand). VCF-style: chr2-182995813-A-G. GRCh37 (hg19) VCF-style: chr2-183860541-A-G.
Other names: c.647T>C, p.Leu216Pro (NM_205842.3); short protein forms L210P, L216P.
Identifiers: ClinVar variation 1334348 (VCV001334348.2), dbSNP rs2105869050, ClinGen allele CA349754446.